The following is an entry in ClinVar:

ClinVar aggregate classification (germline): Uncertain significance (1 of 4 stars; one submission).

Allele frequency attached by ClinVar (database versions not stated): gnomAD exomes below 0.00001; ExAC 0.00001; gnomAD 0.00001; TOPMed 0.00001.
gnomAD v4.1: 1 of 1,613,716 alleles (0.000062%); highest among the groups gnomAD compares: African/African-American, 0.0013%; no homozygotes.

Submission:

GeneDx
Classification: Uncertain significance. Last evaluated: 2019-10-04. Review status: criteria provided, single submitter. Criteria: GeneDx Variant Classification Process June 2021. Collection method: clinical testing. Allele origin: germline. Affected: yes.
Comment: Not observed at a significant frequency in large population cohorts (Lek et al., 2016); Missense variant in a gene in which most reported pathogenic variants are truncating/loss-of-function; Has not been previously published as pathogenic or benign to our knowledge

NM_001267550.2(TTN):c.17432A>C (p.Gln5811Pro)

Genes: TTN (titin; minus strand), LOC126806431 (CDK7 strongly-dependent group 2 enhancer GRCh37_chr2:179595719-179596918; plus strand). Cytogenetic location: 2q31.2.
Variant type: single nucleotide variant.
Coding change: c.17432A>C on transcript NM_001267550.2 (MANE Select); coding-DNA position 17432, A replaced by C.
Protein change: p.Gln5811Pro; replaces glutamine 5811 with proline.
Molecular consequence: missense variant. On other transcripts: intron variant (3).
Genome position (GRCh38, 1-based): chr2:178,731,334, T>G on the plus strand (A>C on the coding strand, the complement: TTN is on the minus strand). VCF-style: chr2-178731334-T-G. GRCh37 (hg19) VCF-style: chr2-179596061-T-G.
Other names: c.16481A>C, p.Gln5494Pro (NM_001256850.1); c.13700A>C, p.Gln4567Pro (NM_133378.4); c.13282+6748A>C (NM_003319.4); c.13858+6748A>C (NM_133437.4); c.13657+6748A>C (NM_133432.3); short protein forms Q4567P, Q5494P, Q5811P.
Identifiers: ClinVar variation 1308714 (VCV001308714.2), dbSNP rs776791851, ClinGen allele CA2001837.